The following is an entry in ClinVar:

NM_024642.5(GALNT12):c.1553T>G (p.Met518Arg)

Gene: GALNT12 (polypeptide N-acetylgalactosaminyltransferase 12; plus strand). Cytogenetic location: 9q22.33.
Variant type: single nucleotide variant.
Coding change: c.1553T>G on transcript NM_024642.5 (MANE Select); coding-DNA position 1553, T replaced by G.
Protein change: p.Met518Arg; replaces methionine 518 with arginine.
Molecular consequence: missense variant.
Genome position (GRCh38, 1-based): chr9:98,846,071, T>G. VCF-style: chr9-98846071-T-G. GRCh37 (hg19) VCF-style: chr9-101608353-T-G.
Other names: short protein forms M518R.
Identifiers: ClinVar variation 1775111 (VCV001775111.5), dbSNP rs2490557795, ClinGen allele CA374221793.

ClinVar aggregate classification (germline): Uncertain significance. Review status: criteria provided, multiple submitters, no conflicts (2 of 4 stars). 2 submissions from 2 submitters: Uncertain significance (2). Last evaluated 2023-05-03.

Submissions (2):

Labcorp Genetics (formerly Invitae), Labcorp
Classification: Uncertain significance. Last evaluated: 2023-05-03. Review status: criteria provided, single submitter. Criteria: Invitae Variant Classification Sherloc (09022015). Collection method: clinical testing. Allele origin: germline.
Comment: Advanced modeling of protein sequence and biophysical properties (such as structural, functional, and spatial information, amino acid conservation, physicochemical variation, residue mobility, and thermodynamic stability) performed at Invitae indicates that this missense variant is not expected to disrupt GALNT12 protein function. ClinVar contains an entry for this variant (Variation ID: 1775111). This variant has not been reported in the literature in individuals affected with GALNT12-related conditions. This variant is not present in population databases (gnomAD no frequency). This sequence change replaces methionine, which is neutral and non-polar, with arginine, which is basic and polar, at codon 518 of the GALNT12 protein (p.Met518Arg). In summary, the available evidence is currently insufficient to determine the role of this variant in disease. Therefore, it has been classified as a Variant of Uncertain Significance.

Ambry Genetics
Classification: Uncertain significance. Last evaluated: 2020-02-21. Review status: criteria provided, single submitter. Criteria: Ambry Variant Classification Scheme 2023. Collection method: clinical testing. Allele origin: germline.
Comment: The p.M518R variant (also known as c.1553T>G), located in coding exon 9 of the GALNT12 gene, results from a T to G substitution at nucleotide position 1553. The methionine at codon 518 is replaced by arginine, an amino acid with similar properties. This amino acid position is well conserved in available vertebrate species. In addition, the in silico prediction for this alteration is inconclusive. Since supporting evidence is limited at this time, the clinical significance of this alteration remains unclear.